The following is an entry in ClinVar:

NM_015631.6(TCTN3):c.1433A>G (p.Asn478Ser)

Gene: TCTN3 (tectonic family member 3; minus strand). Cytogenetic location: 10q24.1.
Variant type: single nucleotide variant.
Coding change: c.1433A>G on transcript NM_015631.6 (MANE Select); coding-DNA position 1433, A replaced by G.
Protein change: p.Asn478Ser; replaces asparagine 478 with serine.
Molecular consequence: missense variant.
Genome position (GRCh38, 1-based): chr10:95,682,670, T>C on the plus strand (A>G on the coding strand, the complement: TCTN3 is on the minus strand). VCF-style: chr10-95682670-T-C. GRCh37 (hg19) VCF-style: chr10-97442427-T-C.
Other names: c.989A>G, p.Asn330Ser (NM_001143973.2); c.1337A>G, p.Asn446Ser (NM_001410982.1); short protein forms N446S, N330S, N478S.
Identifiers: ClinVar variation 4794595 (VCV004794595.1).
Genomic context (GRCh38, chr10:95,682,670, plus strand): 5'-TAAAAATGAGTCTTCATCAGAAAGTATATTTCTCTCCTTACTGAAATGCTGCAGTGCCTG[T>C]TGAGGATCCTGGTCCACCCTCCTTTCTGGGCTGGGTCAGCATTACCAAAGATGGCAACAT-3'
Protein context (NP_056446.4, residues 468-488): AQKGGWTRIL[Asn478Ser]RHCSISAINC

ClinVar aggregate classification (germline): Uncertain significance (1 of 4 stars; one submission).

Conditions:
Joubert syndrome 18 (JBTS18). Identifiers: Orphanet 2754, MedGen C3553758, MONDO:0013896, OMIM 614815.
Orofacial-digital syndrome IV (OFD4). Also called: BARAITSER-BURN SYNDROME; OFD SYNDROME WITH TIBIAL DEFECTS; OFD SYNDROME, BARAITSER-BURN TYPE; OFDS IV; ORAL-FACIAL-DIGITAL SYNDROME, TYPE IV; MOHR-MAJEWSKI SYNDROME. Identifiers: Orphanet 2753, MedGen C0406727, MONDO:0009794, OMIM 258860.

gnomAD v4.1: 1 of 1,613,990 alleles (0.000062%); highest among the groups gnomAD compares: South Asian, 0.0011%; no homozygotes.

Submission:

Labcorp Genetics (formerly Invitae), Labcorp
Classification: Uncertain significance for Joubert syndrome 18; Orofacial-digital syndrome IV. Last evaluated: 2026-01-27. Review status: criteria provided, single submitter. Criteria: Invitae Variant Classification Sherloc (09022015). Collection method: clinical testing. Allele origin: germline.
Comment: This sequence change replaces asparagine, which is neutral and polar, with serine, which is neutral and polar, at codon 478 of the TCTN3 protein (p.Asn478Ser). This variant is present in population databases (no rsID available, gnomAD 0.003%). This variant has not been reported in the literature in individuals affected with TCTN3-related conditions. Invitae Evidence Modeling of protein sequence and biophysical properties (such as structural, functional, and spatial information, amino acid conservation, physicochemical variation, residue mobility, and thermodynamic stability) indicates that this missense variant is not expected to disrupt TCTN3 protein function with a negative predictive value of 80%. In summary, the available evidence is currently insufficient to determine the role of this variant in disease. Therefore, it has been classified as a Variant of Uncertain Significance.